The following is an entry in ClinVar:

NM_001942.4(DSG1):c.2165A>G (p.Asp722Gly)

Genes: DSG1 (desmoglein 1; plus strand), DSG1-AS1 (DSG1 antisense RNA 1; minus strand), LOC126862720 (MED14-independent group 3 enhancer GRCh37_chr18:28933613-28934812; plus strand). Cytogenetic location: 18q12.1.
Variant type: single nucleotide variant.
Coding change: c.2165A>G on transcript NM_001942.4 (MANE Select); coding-DNA position 2165, A replaced by G.
Protein change: p.Asp722Gly; replaces aspartic acid 722 with glycine.
Molecular consequence: missense variant. On other transcripts: non-coding transcript variant (1).
Genome position (GRCh38, 1-based): chr18:31,354,361, A>G. VCF-style: chr18-31354361-A-G. GRCh37 (hg19) VCF-style: chr18-28934324-A-G.
Other names: short protein forms D722G.
Identifiers: ClinVar variation 1349180 (VCV001349180.6), dbSNP rs2144126447, ClinGen allele CA402120971.

ClinVar aggregate classification (germline): Uncertain significance (1 of 4 stars; one submission).

Submission:

Labcorp Genetics (formerly Invitae), Labcorp
Classification: Uncertain significance. Last evaluated: 2021-11-22. Review status: criteria provided, single submitter. Criteria: Invitae Variant Classification Sherloc (09022015). Collection method: clinical testing. Allele origin: germline.
Comment: In summary, the available evidence is currently insufficient to determine the role of this variant in disease. Therefore, it has been classified as a Variant of Uncertain Significance. Algorithms developed to predict the effect of missense changes on protein structure and function (SIFT, PolyPhen-2, Align-GVGD) all suggest that this variant is likely to be disruptive. This variant has not been reported in the literature in individuals affected with DSG1-related conditions. This variant is not present in population databases (gnomAD no frequency). This sequence change replaces aspartic acid, which is acidic and polar, with glycine, which is neutral and non-polar, at codon 722 of the DSG1 protein (p.Asp722Gly).